The following is an entry in ClinVar:

ClinVar aggregate classification (germline): Likely benign (1 of 4 stars; one submission).

Conditions:
Short stature due to growth hormone secretagogue receptor deficiency (GHDP). Also called: Short stature due to GHSR deficiency. Identifiers: Orphanet 314811, MedGen C5887324, MONDO:0014403, OMIM 615925.

Allele frequency attached by ClinVar (database versions not stated): 1000 Genomes Project 30x 0.00078; 1000 Genomes Project 0.00080; TOPMed 0.00365.
gnomAD v4.1: 496 of 152,226 alleles (0.33%); highest among the groups gnomAD compares: Admixed American, 0.62%; 1 homozygote.

Submission:

Illumina Laboratory Services, Illumina
Classification: Likely benign for Short stature due to growth hormone secretagogue receptor deficiency. Last evaluated: 2018-01-12. Review status: criteria provided, single submitter. Criteria: ICSL Variant Classification Criteria 13 December 2019. Collection method: clinical testing. Allele origin: germline.
Comment: This variant was observed in the ICSL laboratory as part of a predisposition screen in an ostensibly healthy population. It had not been previously curated by ICSL or reported in the Human Gene Mutation Database (HGMD: prior to June 1st, 2018), and was therefore a candidate for classification through an automated scoring system. Utilizing variant allele frequency, disease prevalence and penetrance estimates, and inheritance mode, an automated score was calculated to assess if this variant is too frequent to cause the disease. Based on the score and internal cut-off values, a variant classified as likely benign is not then subjected to further curation. The score for this variant resulted in a classification of likely benign for this disease.

NM_198407.2(GHSR):c.*1158G>A

Gene: GHSR (growth hormone secretagogue receptor; minus strand). Cytogenetic location: 3q26.31.
Variant type: single nucleotide variant.
Coding change: c.*1158G>A on transcript NM_198407.2 (MANE Select); 1158 bases downstream of the stop codon, G replaced by A.
Molecular consequence: 3 prime UTR variant.
Genome position (GRCh38, 1-based): chr3:172,444,003, C>T on the plus strand (G>A on the coding strand, the complement: GHSR is on the minus strand). VCF-style: chr3-172444003-C-T. GRCh37 (hg19) VCF-style: chr3-172161793-C-T.
Identifiers: ClinVar variation 902709 (VCV000902709.4), dbSNP rs182732562, ClinGen allele CA87780559.